The following is an entry in ClinVar:

NM_002661.5(PLCG2):c.949C>T (p.Pro317Ser)

Gene: PLCG2 (phospholipase C gamma 2; plus strand). Cytogenetic location: 16q23.3.
Variant type: single nucleotide variant.
Coding change: c.949C>T on transcript NM_002661.5 (MANE Select); coding-DNA position 949, C replaced by T.
Protein change: p.Pro317Ser; replaces proline 317 with serine.
Molecular consequence: missense variant.
Genome position (GRCh38, 1-based): chr16:81,891,553, C>T. VCF-style: chr16-81891553-C-T. GRCh37 (hg19) VCF-style: chr16-81925158-C-T.
Other names: c.949C>T, p.Pro317Ser (NM_001425749.1, NM_001425750.1, NM_001425751.1); short protein forms P317S.
Identifiers: ClinVar variation 2772513 (VCV002772513.3), dbSNP rs2507619099, ClinGen allele CA396898061.
Genomic context (GRCh38, chr16:81,891,553, plus strand): 5'-CGAGAAAACAGCATCTGGGATGAGAAGTATGACGCGGTGGACATGCAGGACATGAACAAC[C>T]CCCTGTCTCATTACTGGATCTCCTCGTCACATAACACGTGAGTTTCAGATGAGCCTGTGA-3'
Protein context (NP_002652.2, residues 307-327): DAVDMQDMNN[Pro317Ser]LSHYWISSSH

ClinVar aggregate classification (germline): Uncertain significance (1 of 4 stars; one submission).

Conditions:
Familial cold autoinflammatory syndrome 3 (FCAS3). Also called: FAMILIAL ATYPICAL COLD URTICARIA; ANTIBODY DEFICIENCY AND IMMUNE DYSREGULATION, PLCG2-ASSOCIATED. Identifiers: Orphanet 300359, MedGen C3280914, MONDO:0013766, OMIM 614468.

Submission:

Labcorp Genetics (formerly Invitae), Labcorp
Classification: Uncertain significance for Familial cold autoinflammatory syndrome 3. Last evaluated: 2024-04-03. Review status: criteria provided, single submitter. Criteria: Invitae Variant Classification Sherloc (09022015). Collection method: clinical testing. Allele origin: germline.
Comment: This sequence change replaces proline, which is neutral and non-polar, with serine, which is neutral and polar, at codon 317 of the PLCG2 protein (p.Pro317Ser). This variant is not present in population databases (gnomAD no frequency). This variant has not been reported in the literature in individuals affected with PLCG2-related conditions. An algorithm developed to predict the effect of missense changes on protein structure and function (PolyPhen-2) suggests that this variant is likely to be disruptive. In summary, the available evidence is currently insufficient to determine the role of this variant in disease. Therefore, it has been classified as a Variant of Uncertain Significance.